The following is an entry in ClinVar:

NM_001854.4(COL11A1):c.3448G>A (p.Gly1150Ser)

Gene: COL11A1 (collagen type XI alpha 1 chain; minus strand). Cytogenetic location: 1p21.1.
Variant type: single nucleotide variant.
Coding change: c.3448G>A on transcript NM_001854.4 (MANE Select); coding-DNA position 3448, G replaced by A.
Protein change: p.Gly1150Ser; replaces glycine 1150 with serine.
Molecular consequence: missense variant. On other transcripts: non-coding transcript variant (1).
Genome position (GRCh38, 1-based): chr1:102,935,104, C>T on the plus strand (G>A on the coding strand, the complement: COL11A1 is on the minus strand). VCF-style: chr1-102935104-C-T. GRCh37 (hg19) VCF-style: chr1-103400660-C-T.
Other names: c.3331G>A, p.Gly1111Ser (NM_001190709.2); c.3484G>A, p.Gly1162Ser (NM_080629.3); c.3100G>A, p.Gly1034Ser (NM_080630.4); short protein forms G1034S, G1111S, G1150S, G1162S.
Identifiers: ClinVar variation 3355596 (VCV003355596.3).

ClinVar aggregate classification (germline): Likely benign. Review status: criteria provided, single submitter (1 of 4 stars). 2 submissions from 2 submitters: Likely benign (1). 1 of the submissions does not count toward it. Last evaluated 2024-03-28.

Conditions:
COL11A1-related disorder. Also called: COL11A1-related disorders; COL11A1-related condition.

gnomAD v4.1: 11 of 1,613,772 alleles (0.00068%); highest among the groups gnomAD compares: South Asian, 0.0033%; no homozygotes.

Submissions (2):

Labcorp Genetics (formerly Invitae), Labcorp
Classification: Likely benign. Last evaluated: 2024-03-28. Review status: criteria provided, single submitter. Criteria: Invitae Variant Classification Sherloc (09022015). Collection method: clinical testing. Allele origin: germline.

PreventionGenetics, part of Exact Sciences
Classification: Uncertain significance for COL11A1-related condition. Last evaluated: 2024-08-20. Review status: no assertion criteria provided. Collection method: clinical testing. Allele origin: germline. Not counted in ClinVar's aggregate classification.
Comment: The COL11A1 c.3448G>A variant is predicted to result in the amino acid substitution p.Gly1150Ser. To our knowledge, this variant has not been reported in the literature. This variant is reported in 0.0033% of alleles in individuals of South Asian descent in gnomAD. At this time, the clinical significance of this variant is uncertain due to the absence of conclusive functional and genetic evidence.